The following is an entry in ClinVar:

NM_001378454.1(ALMS1):c.8306C>T (p.Ser2769Phe)

Gene: ALMS1 (ALMS1 centrosome and basal body associated protein; plus strand). Cytogenetic location: 2p13.1.
Variant type: single nucleotide variant.
Coding change: c.8306C>T on transcript NM_001378454.1 (MANE Select); coding-DNA position 8306, C replaced by T.
Protein change: p.Ser2769Phe; replaces serine 2769 with phenylalanine.
Molecular consequence: missense variant.
Genome position (GRCh38, 1-based): chr2:73,490,265, C>T. VCF-style: chr2-73490265-C-T. GRCh37 (hg19) VCF-style: chr2-73717392-C-T.
Other names: c.8309C>T, p.Ser2770Phe (NM_015120.4); short protein forms S2770F, S2769F.
Identifiers: ClinVar variation 403937 (VCV000403937.13), dbSNP rs1060500037, ClinGen allele CA16611111.

ClinVar aggregate classification (germline): Uncertain significance. Review status: criteria provided, multiple submitters, no conflicts (2 of 4 stars). 4 submissions from 4 submitters: Uncertain significance (3). 1 of the submissions does not count toward it. Last evaluated 2025-07-02.

Conditions:
Cardiovascular phenotype. Identifiers: MedGen CN230736.
Alstrom syndrome (ALMS). Identifiers: Orphanet 64, MedGen C0268425, MONDO:0008763, OMIM 203800.

Allele frequency attached by ClinVar (database versions not stated): gnomAD exomes below 0.00001; TOPMed 0.00001.
gnomAD v4.1: 9 of 1,614,038 alleles (0.00056%); highest among the groups gnomAD compares: South Asian, 0.0011%; no homozygotes.

Submissions (4):

GeneDx
Classification: Uncertain significance. Last evaluated: 2025-07-02. Review status: criteria provided, single submitter. Criteria: GeneDx Variant Classification Process June 2021. Collection method: clinical testing. Allele origin: germline. Affected: yes.
Comment: Not observed at significant frequency in large population cohorts (gnomAD); In silico analysis supports that this missense variant has a deleterious effect on protein structure/function; Has not been previously published as pathogenic or benign to our knowledge

Ambry Genetics
Classification: Uncertain significance for Cardiovascular phenotype. Last evaluated: 2024-03-28. Review status: criteria provided, single submitter. Criteria: Ambry Variant Classification Scheme 2023. Collection method: clinical testing. Allele origin: germline.
Comment: The p.S2770F variant (also known as c.8309C>T), located in coding exon 10 of the ALMS1 gene, results from a C to T substitution at nucleotide position 8309. The serine at codon 2770 is replaced by phenylalanine, an amino acid with highly dissimilar properties. This amino acid position is well conserved in available vertebrate species. In addition, this alteration is predicted to be tolerated by in silico analysis. Based on the available evidence, the clinical significance of this alteration remains unclear.

Labcorp Genetics (formerly Invitae), Labcorp
Classification: Uncertain significance for Alstrom syndrome. Last evaluated: 2022-06-08. Review status: criteria provided, single submitter. Criteria: Invitae Variant Classification Sherloc (09022015). Collection method: clinical testing. Allele origin: germline.
Comment: This sequence change replaces serine, which is neutral and polar, with phenylalanine, which is neutral and non-polar, at codon 2770 of the ALMS1 protein (p.Ser2770Phe). This variant is not present in population databases (gnomAD no frequency). This variant has not been reported in the literature in individuals affected with ALMS1-related conditions. ClinVar contains an entry for this variant (Variation ID: 403937). Algorithms developed to predict the effect of missense changes on protein structure and function output the following: SIFT: "Not Available"; PolyPhen-2: "Not Available"; Align-GVGD: "Not Available". The phenylalanine amino acid residue is found in multiple mammalian species, which suggests that this missense change does not adversely affect protein function. In summary, the available evidence is currently insufficient to determine the role of this variant in disease. Therefore, it has been classified as a Variant of Uncertain Significance.

Natera, Inc.
Classification: Uncertain significance for Alstrom syndrome. Last evaluated: 2021-09-30. Review status: no assertion criteria provided. Collection method: clinical testing. Allele origin: germline. Not counted in ClinVar's aggregate classification.